The following is an entry in ClinVar:

ClinVar aggregate classification (germline): Uncertain significance (1 of 4 stars; one submission).

Conditions:
Mendelian susceptibility to mycobacterial diseases due to partial STAT1 deficiency. Also called: IMMUNODEFICIENCY 31A, MYCOBACTERIOSIS, AUTOSOMAL DOMINANT; STAT1 DEFICIENCY, AUTOSOMAL DOMINANT; Immunodeficiency 31a. Identifiers: Orphanet 319595, MedGen C4013950, MONDO:0013956, OMIM 614892.
Immunodeficiency 31B. Also called: STAT1 DEFICIENCY, AUTOSOMAL RECESSIVE; IMMUNODEFICIENCY 31B, MYCOBACTERIAL AND VIRAL INFECTIONS, AUTOSOMAL RECESSIVE. Identifiers: Orphanet 391311, MedGen C3151088, MONDO:0013427, OMIM 613796.
Autoimmune enteropathy and endocrinopathy - susceptibility to chronic infections syndrome. Also called: Immunodeficiency 31C, autosomal dominant; Immunodeficiency 31C. Identifiers: Orphanet 391487, MedGen C3279990, MONDO:0013599, OMIM 614162.

Submission:

Labcorp Genetics (formerly Invitae), Labcorp
Classification: Uncertain significance for Mendelian susceptibility to mycobacterial diseases due to partial STAT1 deficiency; Immunodeficiency 31B; Autoimmune enteropathy and endocrinopathy - susceptibility to chronic infections syndrome. Last evaluated: 2024-02-27. Review status: criteria provided, single submitter. Criteria: Invitae Variant Classification Sherloc (09022015). Collection method: clinical testing. Allele origin: germline.
Comment: This sequence change replaces leucine, which is neutral and non-polar, with valine, which is neutral and non-polar, at codon 90 of the STAT1 protein (p.Leu90Val). This variant is not present in population databases (gnomAD no frequency). This variant has not been reported in the literature in individuals affected with STAT1-related conditions. An algorithm developed to predict the effect of missense changes on protein structure and function (PolyPhen-2) suggests that this variant is likely to be disruptive. In summary, the available evidence is currently insufficient to determine the role of this variant in disease. Therefore, it has been classified as a Variant of Uncertain Significance.

NM_007315.4(STAT1):c.268C>G (p.Leu90Val)

Gene: STAT1 (signal transducer and activator of transcription 1; minus strand). Cytogenetic location: 2q32.2.
Variant type: single nucleotide variant.
Coding change: c.268C>G on transcript NM_007315.4 (MANE Select); coding-DNA position 268, C replaced by G.
Protein change: p.Leu90Val; replaces leucine 90 with valine.
Molecular consequence: missense variant.
Genome position (GRCh38, 1-based): chr2:191,008,968, G>C on the plus strand (C>G on the coding strand, the complement: STAT1 is on the minus strand). VCF-style: chr2-191008968-G-C. GRCh37 (hg19) VCF-style: chr2-191873694-G-C.
Other names: c.268C>G, p.Leu90Val (NM_001384880.1, NM_001384882.1, NM_001384883.1 and 7 more transcripts); c.274C>G, p.Leu92Val (NM_001384881.1, NM_001384884.1); c.304C>G, p.Leu102Val (NM_001384891.1); short protein forms L102V, L90V, L92V.
Identifiers: ClinVar variation 3763139 (VCV003763139.2).